The following is an entry in ClinVar:

ClinVar aggregate classification (germline): Pathogenic/Likely pathogenic. Review status: criteria provided, multiple submitters, no conflicts (2 of 4 stars). 5 submissions from 5 submitters: Pathogenic (1); Likely pathogenic (4). Last evaluated 2026-04-09.

Conditions:
COACH syndrome 3. Identifiers: MedGen C5436841, MONDO:0030862, OMIM 619113.
Joubert syndrome 7 (JBTS7). Identifiers: Orphanet 220497, MedGen C1969053, MONDO:0012694, OMIM 611560.
Meckel syndrome, type 5 (MKS5). Identifiers: Orphanet 564, MedGen C1969052, MONDO:0012695, OMIM 611561.
RPGRIP1L-related disorder. Also called: RPGRIP1L-related disorders; RPGRIP1L-related condition. Identifiers: MedGen CN239416.
Joubert syndrome. Also called: Familial aplasia of the vermis; JOUBERT-BOLTSHAUSER SYNDROME. Identifiers: Orphanet 475, MedGen C5979921, MONDO:0018772.
Meckel-Gruber syndrome. Also called: Dysencephalia splachnocystica; DYSENCEPHALIA SPLANCHNOCYSTICA; GRUBER SYNDROME. Identifiers: Orphanet 564, MedGen C0265215, MONDO:0018921.

Allele frequency attached by ClinVar (database versions not stated): TOPMed 0.00001; gnomAD 0.00002.
gnomAD v4.1: 16 of 1,613,586 alleles (0.00099%); highest among the groups gnomAD compares: East Asian, 0.016%; no homozygotes.

Submissions (5):

PreventionGenetics, part of Exact Sciences
Classification: Likely pathogenic for RPGRIP1L-related condition. Last evaluated: 2026-04-09. Review status: criteria provided, single submitter. Criteria: ACMG Guidelines, 2015. Collection method: clinical testing. Allele origin: germline.
Comment: The RPGRIP1L c.2230C>T variant is predicted to result in premature protein termination (p.Arg744*). This variant was noted in a carrier study for autosomal recessive inherited retinal diseases (Table S3 in Hanany et al. 2020. PubMed ID: 31964843). This variant is reported in 0.011% of alleles in individuals of African descent in gnomAD. Nonsense variants in RPGRIP1L are expected to be pathogenic. This variant is interpreted as likely pathogenic.

Natera, Inc.
Classification: Likely pathogenic for Joubert syndrome. Last evaluated: 2025-08-27. Review status: criteria provided, single submitter. Criteria: Natera Variant Classification Schema (03/2026). Collection method: clinical testing. Allele origin: germline.
Comment: The c.2230C>T variant in RPGRIP1L is a nonsense variant predicted to introduce a stop codon at amino acid 744. This variant is expected to result in nonsense mediated decay, truncation, or a dysfunctional protein product. This variant is rare in the general population with a frequency below the threshold expected for the associated phenotype(s). Given the available evidence, this variant is classified as Likely Pathogenic.

Fulgent Genetics
Classification: Likely pathogenic for Joubert syndrome 7; Meckel syndrome, type 5; COACH syndrome 3. Last evaluated: 2024-03-11. Review status: criteria provided, single submitter. Criteria: ACMG Guidelines, 2015. Collection method: clinical testing. Allele origin: germline.

Labcorp Genetics (formerly Invitae), Labcorp
Classification: Pathogenic for Joubert syndrome; Meckel-Gruber syndrome. Last evaluated: 2023-02-09. Review status: criteria provided, single submitter. Criteria: Invitae Variant Classification Sherloc (09022015). Collection method: clinical testing. Allele origin: germline.
Comment: This sequence change creates a premature translational stop signal (p.Arg744*) in the RPGRIP1L gene. It is expected to result in an absent or disrupted protein product. Loss-of-function variants in RPGRIP1L are known to be pathogenic (PMID: 17558409). This variant is present in population databases (rs267604575, gnomAD 0.01%). This variant has not been reported in the literature in individuals affected with RPGRIP1L-related conditions. ClinVar contains an entry for this variant (Variation ID: 80170). For these reasons, this variant has been classified as Pathogenic.

Laboratory for Molecular Medicine, Mass General Brigham Personalized Medicine
Classification: Likely pathogenic for Joubert syndrome. Last evaluated: 2020-08-11. Review status: criteria provided, single submitter. Criteria: ACMG Guidelines, 2015. Collection method: clinical testing. Allele origin: germline.
Comment: The p.Arg744X variant in RPGRIP1L has not been previously reported in individuals with disease but has been identified in 1/8710 of African chromosomes by gnomAD. This variant has also been reported in ClinVar (Variation ID 80170). This nonsense variant leads to a premature termination codon at position 744, which is predicted to lead to a truncated or absent protein. Loss of function of the RPGRIP1L gene is an established disease mechanism in autosomal recessive disorders that are associated with primary cilium dysfunction including Meckel Syndrome, Joubert Syndrome 7, and COACH syndrome. In summary, although additional studies are required to fully establish its clinical significance, this variant meets criteria to be classified as likely pathogenic for autosomal recessive RPGRIP1L-related disorders. ACMG/AMP Criteria applied: PVS1, PM2.

Literature cited by the submitters: PubMed 17558409 (cited by Labcorp Genetics (formerly Invitae), Labcorp).

NM_015272.5(RPGRIP1L):c.2230C>T (p.Arg744Ter)

Gene: RPGRIP1L (RPGRIP1 like; minus strand). Cytogenetic location: 16q12.2.
Variant type: single nucleotide variant.
Coding change: c.2230C>T on transcript NM_015272.5 (MANE Select); coding-DNA position 2230, C replaced by T.
Protein change: p.Arg744Ter; replaces arginine 744 with a stop codon.
Molecular consequence: nonsense.
Genome position (GRCh38, 1-based): chr16:53,649,038, G>A on the plus strand (C>T on the coding strand, the complement: RPGRIP1L is on the minus strand). VCF-style: chr16-53649038-G-A. GRCh37 (hg19) VCF-style: chr16-53682950-G-A.
Other names: c.2230C>T (NM_015272.4); c.2230C>T, p.Arg744Ter (NM_001127897.4, NM_001308334.3, NM_001330538.2); short protein forms R744*.
Identifiers: ClinVar variation 80170 (VCV000080170.12), dbSNP rs267604575, ClinGen allele CA281341870.